The following is an entry in ClinVar:

NM_003072.5(SMARCA4):c.4451T>C (p.Val1484Ala)

Gene: SMARCA4 (SWI/SNF related BAF chromatin remodeling complex subunit ATPase 4; plus strand). Cytogenetic location: 19p13.2.
Variant type: single nucleotide variant.
Coding change: c.4451T>C on transcript NM_003072.5 (MANE Select); coding-DNA position 4451, T replaced by C.
Protein change: p.Val1484Ala; replaces valine 1484 with alanine.
Molecular consequence: missense variant. On other transcripts: non-coding transcript variant (1).
Genome position (GRCh38, 1-based): chr19:11,058,281, T>C. VCF-style: chr19-11058281-T-C. GRCh37 (hg19) VCF-style: chr19-11168957-T-C.
Other names: c.4451T>C, p.Val1484Ala (NM_001128844.3); c.4361T>C, p.Val1454Ala (NM_001128845.2); c.4358T>C, p.Val1453Ala (NM_001128846.2); c.4352T>C, p.Val1451Ala (NM_001128847.4, NM_001374457.1); c.4349T>C, p.Val1450Ala (NM_001128848.2); c.4547T>C, p.Val1516Ala (NM_001128849.3, NM_001387283.1); c.4448T>C, p.Val1483Ala (NM_001411150.1); short protein forms V1450A, V1453A, V1484A, V1454A, V1451A, V1483A, V1516A.
Identifiers: ClinVar variation 2134724 (VCV002134724.4), dbSNP rs1600629978, ClinGen allele CA404077382.
Genomic context (GRCh38, chr19:11,058,281, plus strand): 5'-CTCGGGGGTGATAGCCGCCGGTTCTGCCTTGCAGCAGCAGTGGACGTCAGCTCAGCGAGG[T>C]CTTCATCCAGCTGCCCTCGCGAAAGGAGCTGCCCGAGTACTACGAGCTCATCCGCAAGCC-3'
Protein context (NP_003063.2, residues 1474-1494): DSSSGRQLSE[Val1484Ala]FIQLPSRKEL

ClinVar aggregate classification (germline): Uncertain significance (1 of 4 stars; one submission).

Conditions:
Rhabdoid tumor predisposition syndrome 2 (RTPS2). Identifiers: Orphanet 231108, Orphanet 69077, MedGen C2750074, MONDO:0013224, OMIM 613325.

Submission:

Labcorp Genetics (formerly Invitae), Labcorp
Classification: Uncertain significance for Rhabdoid tumor predisposition syndrome 2. Last evaluated: 2022-05-06. Review status: criteria provided, single submitter. Criteria: Invitae Variant Classification Sherloc (09022015). Collection method: clinical testing. Allele origin: germline.
Comment: In summary, the available evidence is currently insufficient to determine the role of this variant in disease. Therefore, it has been classified as a Variant of Uncertain Significance. Algorithms developed to predict the effect of missense changes on protein structure and function are either unavailable or do not agree on the potential impact of this missense change (SIFT: "Deleterious"; PolyPhen-2: "Benign"; Align-GVGD: "Class C55"). This variant has not been reported in the literature in individuals affected with SMARCA4-related conditions. This variant is not present in population databases (gnomAD no frequency). This sequence change replaces valine, which is neutral and non-polar, with alanine, which is neutral and non-polar, at codon 1516 of the SMARCA4 protein (p.Val1516Ala).